The following is an entry in ClinVar:

NM_000257.4(MYH7):c.22G>A (p.Val8Ile)

Gene: MYH7 (myosin heavy chain 7; minus strand). Cytogenetic location: 14q11.2.
Variant type: single nucleotide variant.
Coding change: c.22G>A on transcript NM_000257.4 (MANE Select); coding-DNA position 22, G replaced by A.
Protein change: p.Val8Ile; replaces valine 8 with isoleucine.
Molecular consequence: missense variant.
Genome position (GRCh38, 1-based): chr14:23,433,711, C>T on the plus strand (G>A on the coding strand, the complement: MYH7 is on the minus strand). VCF-style: chr14-23433711-C-T. GRCh37 (hg19) VCF-style: chr14-23902920-C-T.
Other names: c.22G>A (LRG_384t1); short protein forms V8I.
Identifiers: ClinVar variation 518652 (VCV000518652.20), dbSNP rs754388460, ClinGen allele CA032179.
Genomic context (GRCh38, chr14:23,433,711, plus strand): 5'-TCTGCGCTTCTAGCCGCTCCTTCTCTGACTTGCGCAGGTAGGGGGCGGCAGCCCCAAAGA[C>T]TGCCATCTCCGAATCTCCCATGGCTGTGCCTGGAGTGAGCAGAAGCTGGCTGCCCTCCCA-3'
Protein context (NP_000248.2, residues 1-18): MGDSEMA[Val8Ile]FGAAAPYLRK

ClinVar aggregate classification (germline): Conflicting classifications of pathogenicity. Review status: criteria provided, conflicting classifications (1 of 4 stars). 5 submissions from 5 submitters: Uncertain significance (4); Likely benign (1). Last evaluated 2026-01-01.

Conditions:
Cardiomyopathy (CMYO). Also called: Cardiomyopathies. Identifiers: Orphanet 167848, MedGen C0878544, MONDO:0004994, HP:0001638. Inheritance: Various modes of inheritance.
Cardiovascular phenotype. Identifiers: MedGen CN230736.
Hypertrophic cardiomyopathy. Also called: HYPERTROPHIC MYOCARDIOPATHY. Identifiers: Orphanet 217569, MedGen C0007194, MeSH D002312, MONDO:0005045, HP:0001639.

Allele frequency attached by ClinVar (database versions not stated): gnomAD 0.00001; gnomAD exomes 0.00001; TOPMed 0.00001.
gnomAD v4.1: 12 of 1,614,034 alleles (0.00074%); highest among the groups gnomAD compares: Middle Eastern, 0.05%; no homozygotes.

Submissions (5):

Labcorp Genetics (formerly Invitae), Labcorp
Classification: Uncertain significance for Hypertrophic cardiomyopathy. Last evaluated: 2026-01-01. Review status: criteria provided, single submitter. Criteria: Invitae Variant Classification Sherloc (09022015). Collection method: clinical testing. Allele origin: germline.
Comment: This sequence change replaces valine, which is neutral and non-polar, with isoleucine, which is neutral and non-polar, at codon 8 of the MYH7 protein (p.Val8Ile). This variant is present in population databases (rs754388460, gnomAD 0.0009%). This variant has not been reported in the literature in individuals affected with MYH7-related conditions. ClinVar contains an entry for this variant (Variation ID: 518652). Invitae Evidence Modeling of protein sequence and biophysical properties (such as structural, functional, and spatial information, amino acid conservation, physicochemical variation, residue mobility, and thermodynamic stability) indicates that this missense variant is not expected to disrupt MYH7 protein function with a negative predictive value of 95%. In summary, the available evidence is currently insufficient to determine the role of this variant in disease. Therefore, it has been classified as a Variant of Uncertain Significance.

Ambry Genetics
Classification: Likely benign for Cardiovascular phenotype. Last evaluated: 2025-08-15. Review status: criteria provided, single submitter. Criteria: Ambry Variant Classification Scheme 2023. Collection method: clinical testing. Allele origin: germline.

All of Us Research Program, National Institutes of Health
Classification: Uncertain significance for Cardiomyopathy. Last evaluated: 2024-08-13. Review status: criteria provided, single submitter. Criteria: ACMG Guidelines, 2015. Collection method: clinical testing. Allele origin: germline. Inheritance: Autosomal dominant inheritance. Observed: 2 variant alleles, 2 heterozygotes.
Comment: This missense variant replaces valine with isoleucine at codon 8 of the MYH7 protein. Computational prediction suggests that this variant may not impact protein structure and function (internally defined REVEL score threshold <= 0.5, PMID: 27666373). To our knowledge, functional studies have not been reported for this variant. This variant has not been reported in individuals affected with MYH7-related disorders in the literature. This variant has been identified in 1/251190 chromosomes in the general population by the Genome Aggregation Database (gnomAD). The available evidence is insufficient to determine the role of this variant in disease conclusively. Therefore, this variant is classified as a Variant of Uncertain Significance.

This study involves interpretation of variants in research participants for the purpose of population health screening. Participant phenotype was not available at the time of variant classification. Additional details can be found in publication PMID: 35346344, PMCID: PMC8962531

Color Diagnostics, LLC DBA Color Health
Classification: Uncertain significance for Cardiomyopathy. Last evaluated: 2024-07-31. Review status: criteria provided, single submitter. Criteria: ACMG Guidelines, 2015. Collection method: clinical testing. Allele origin: germline.
Comment: This missense variant replaces valine with isoleucine at codon 8 of the MYH7 protein. Computational prediction suggests that this variant may not impact protein structure and function. To our knowledge, functional studies have not been reported for this variant. This variant has not been reported in individuals affected with MYH7-related disorders in the literature. This variant has been identified in 1/251190 chromosomes in the general population by the Genome Aggregation Database (gnomAD). The available evidence is insufficient to determine the role of this variant in disease conclusively. Therefore, this variant is classified as a Variant of Uncertain Significance.

Women's Health and Genetics/Laboratory Corporation of America, LabCorp
Classification: Uncertain significance. Last evaluated: 2022-11-12. Review status: criteria provided, single submitter. Criteria: LabCorp Variant Classification Summary - May 2015. Collection method: clinical testing. Allele origin: germline.